The following is an entry in ClinVar:

NM_006431.3(CCT2):c.982+1G>A

Gene: CCT2 (chaperonin containing TCP1 subunit 2; plus strand). Cytogenetic location: 12q15.
Variant type: single nucleotide variant.
Coding change: c.982+1G>A on transcript NM_006431.3 (MANE Select); the canonical splice donor site of the intron after coding-DNA position 982, G replaced by A.
Molecular consequence: splice donor variant.
Genome position (GRCh38, 1-based): chr12:69,593,614, G>A. VCF-style: chr12-69593614-G-A. GRCh37 (hg19) VCF-style: chr12-69987394-G-A.
Other names: c.841+1G>A (NM_001198842.2).
Identifiers: ClinVar variation 4761634 (VCV004761634.1).

ClinVar aggregate classification (germline): Uncertain significance (1 of 4 stars; one submission).

Submission:

Labcorp Genetics (formerly Invitae), Labcorp
Classification: Uncertain significance. Last evaluated: 2025-04-26. Review status: criteria provided, single submitter. Criteria: Invitae Variant Classification Sherloc (09022015). Collection method: clinical testing. Allele origin: germline.
Comment: This sequence change affects a donor splice site in intron 10 of the CCT2 gene. It is expected to disrupt RNA splicing. Variants that disrupt the donor or acceptor splice site typically lead to a loss of protein function (PMID: 16199547), however the current clinical and genetic evidence is not sufficient to establish whether loss-of-function variants in CCT2 cause disease. This variant is not present in population databases (gnomAD no frequency). This variant has not been reported in the literature in individuals affected with CCT2-related conditions. Algorithms developed to predict the effect of sequence changes on RNA splicing suggest that this variant may disrupt the consensus splice site. In summary, the available evidence is currently insufficient to determine the role of this variant in disease. Therefore, it has been classified as a Variant of Uncertain Significance.

Literature cited by the submitters: PubMed 16199547.